The following is an entry in ClinVar:

ClinVar aggregate classification (germline): Benign (0 of 4 stars; one submission).

Conditions:
CHAMP1-related disorder. Also called: CHAMP1-related condition.

Allele frequency attached by ClinVar (database versions not stated): ESP Exome Variant Server 0.00100; gnomAD exomes 0.00720; gnomAD 0.01130; TOPMed 0.01916; ExAC 0.02212; 1000 Genomes Project 0.02616; 1000 Genomes Project 30x 0.02733.

Submission:

PreventionGenetics, part of Exact Sciences
Classification: Benign for CHAMP1-related condition. Last evaluated: 2019-04-16. Review status: no assertion criteria provided. Collection method: clinical testing. Allele origin: germline.
Comment: This variant is classified as benign based on ACMG/AMP sequence variant interpretation guidelines (Richards et al. 2015 PMID: 25741868, with internal and published modifications).

NM_032436.4(CHAMP1):c.819T>C (p.Thr273=)

Gene: CHAMP1 (chromosome alignment maintaining phosphoprotein 1; plus strand). Cytogenetic location: 13q34.
Variant type: single nucleotide variant.
Coding change: c.819T>C on transcript NM_032436.4 (MANE Select); coding-DNA position 819, T replaced by C.
Protein change: p.Thr273=; no amino-acid change (threonine 273 retained).
Molecular consequence: synonymous variant.
Genome position (GRCh38, 1-based): chr13:114,324,661, T>C. VCF-style: chr13-114324661-T-C. GRCh37 (hg19) VCF-style: chr13-115090136-T-C.
Other names: c.819T>C, p.Thr273= (NM_001164144.3, NM_001164145.3).
Identifiers: ClinVar variation 3060603 (VCV003060603.2), dbSNP rs3813132, ClinGen allele CA7070696.